The following is an entry in ClinVar:

NM_000090.4(COL3A1):c.745-3T>G

Gene: COL3A1 (collagen type III alpha 1 chain; plus strand). Cytogenetic location: 2q32.2.
Variant type: single nucleotide variant.
Coding change: c.745-3T>G on transcript NM_000090.4 (MANE Select); 3 bases into the intron before coding-DNA position 745, T replaced by G.
Molecular consequence: intron variant.
Genome position (GRCh38, 1-based): chr2:188,990,304, T>G. VCF-style: chr2-188990304-T-G. GRCh37 (hg19) VCF-style: chr2-189855030-T-G.
Identifiers: ClinVar variation 2078272 (VCV002078272.4), dbSNP rs761475013, ClinGen allele CA2580065295.

ClinVar aggregate classification (germline): Uncertain significance (1 of 4 stars; one submission).

Conditions:
Ehlers-Danlos syndrome, type 4 (EDSVASC). Also called: Ehlers-Danlos syndrome vascular type; Ehlers Danlos syndrome, ecchymotic type; Ehlers Danlos syndrome, arterial type; Ehlers Danlos syndrome, Sack-Barabas type; Ehlers-Danlos Syndrome Type IV. Identifiers: Orphanet 286, MedGen C0268338, MONDO:0017314, OMIM 130050.

gnomAD v4.1: 1 of 1,612,284 alleles (0.000062%); highest among the groups gnomAD compares: Admixed American, 0.0017%; no homozygotes.

Submission:

Labcorp Genetics (formerly Invitae), Labcorp
Classification: Uncertain significance for Ehlers-Danlos syndrome, type 4. Last evaluated: 2025-09-04. Review status: criteria provided, single submitter. Criteria: Invitae Variant Classification Sherloc (09022015). Collection method: clinical testing. Allele origin: germline.
Comment: This sequence change falls in intron 9 of the COL3A1 gene. It does not directly change the encoded amino acid sequence of the COL3A1 protein. It affects a nucleotide within the consensus splice site. This variant is not present in population databases (gnomAD no frequency). This variant has not been reported in the literature in individuals affected with COL3A1-related conditions. ClinVar contains an entry for this variant (Variation ID: 2078272). Variants that disrupt the consensus splice site are a relatively common cause of aberrant splicing (PMID: 17576681, 9536098). Algorithms developed to predict the effect of sequence changes on RNA splicing suggest that this variant may disrupt the consensus splice site. In summary, the available evidence is currently insufficient to determine the role of this variant in disease. Therefore, it has been classified as a Variant of Uncertain Significance.

Literature cited by the submitters: PubMed 17576681; PubMed 9536098.